The following is an entry in ClinVar:

ClinVar aggregate classification (germline): Benign/Likely benign. Review status: criteria provided, multiple submitters, no conflicts (2 of 4 stars). 3 submissions from 3 submitters: Benign (1); Likely benign (2). Last evaluated 2026-07-02.

Conditions:
Sessile serrated polyposis cancer syndrome (SSPCS). Identifiers: Orphanet 157798, MedGen C4310714, MONDO:0014919, OMIM 617108.

Allele frequency attached by ClinVar (database versions not stated): gnomAD exomes 0.00004 and 0.00002; ExAC 0.00005.
gnomAD v4.1: 30 of 1,614,234 alleles (0.0019%); highest among the groups gnomAD compares: South Asian, 0.032%; no homozygotes.

Submissions (3):

Myriad Genetics, Inc.
Classification: Benign for Sessile serrated polyposis cancer syndrome. Last evaluated: 2026-07-02. Review status: criteria provided, single submitter. Criteria: Myriad Autosomal Dominant, Autosomal Recessive and X-Linked Classification Criteria (2023). Collection method: clinical testing. Allele origin: unknown.
Comment: This variant is considered benign. This variant is a silent/synonymous amino acid change and it is not expected to impact splicing.

Ambry Genetics
Classification: Likely benign. Last evaluated: 2024-12-29. Review status: criteria provided, single submitter. Criteria: Ambry Variant Classification Scheme 2023. Collection method: clinical testing. Allele origin: germline.

Labcorp Genetics (formerly Invitae), Labcorp
Classification: Likely benign. Last evaluated: 2024-03-03. Review status: criteria provided, single submitter. Criteria: Invitae Variant Classification Sherloc (09022015). Collection method: clinical testing. Allele origin: germline.

NM_017763.6(RNF43):c.2226G>A (p.Glu742=)

Gene: RNF43 (ring finger protein 43; minus strand). Cytogenetic location: 17q22.
Variant type: single nucleotide variant.
Coding change: c.2226G>A on transcript NM_017763.6 (MANE Select); coding-DNA position 2226, G replaced by A.
Protein change: p.Glu742=; no amino-acid change (glutamic acid 742 retained).
Molecular consequence: synonymous variant.
Genome position (GRCh38, 1-based): chr17:58,357,550, C>T on the plus strand (G>A on the coding strand, the complement: RNF43 is on the minus strand). VCF-style: chr17-58357550-C-T. GRCh37 (hg19) VCF-style: chr17-56434911-C-T.
Other names: c.2226G>A, p.Glu742= (NM_001305544.3); c.1845G>A, p.Glu615= (NM_001305545.2).
Identifiers: ClinVar variation 1090601 (VCV001090601.11), dbSNP rs770712571, ClinGen allele CA8673053.